The following is an entry in ClinVar:

NM_015272.5(RPGRIP1L):c.296C>T (p.Pro99Leu)

Gene: RPGRIP1L (RPGRIP1 like; minus strand). Cytogenetic location: 16q12.2.
Variant type: single nucleotide variant.
Coding change: c.296C>T on transcript NM_015272.5 (MANE Select); coding-DNA position 296, C replaced by T.
Protein change: p.Pro99Leu; replaces proline 99 with leucine.
Molecular consequence: missense variant.
Genome position (GRCh38, 1-based): chr16:53,692,299, G>A on the plus strand (C>T on the coding strand, the complement: RPGRIP1L is on the minus strand). VCF-style: chr16-53692299-G-A. GRCh37 (hg19) VCF-style: chr16-53726211-G-A.
Other names: c.296C>T, p.Pro99Leu (NM_001127897.4, NM_001308334.3, NM_001330538.2); c.296C>T (NM_015272.4); short protein forms P99L.
Identifiers: ClinVar variation 2196092 (VCV002196092.2), dbSNP rs2544708461, ClinGen allele CA395925126.

ClinVar aggregate classification (germline): Uncertain significance. Review status: criteria provided, multiple submitters, no conflicts (2 of 4 stars). 2 submissions from 2 submitters: Uncertain significance (2). Last evaluated 2026-05-26.

Conditions:
Meckel-Gruber syndrome. Also called: DYSENCEPHALIA SPLANCHNOCYSTICA; GRUBER SYNDROME; Dysencephalia splachnocystica. Identifiers: Orphanet 564, MedGen C0265215, MONDO:0018921.
Joubert syndrome. Also called: JOUBERT-BOLTSHAUSER SYNDROME; Familial aplasia of the vermis. Identifiers: Orphanet 475, MedGen C5979921, MONDO:0018772.
RPGRIP1L-related disorder. Also called: RPGRIP1L-related disorders; RPGRIP1L-related condition. Identifiers: MedGen CN239416.

Submissions (2):

PreventionGenetics, part of Exact Sciences
Classification: Uncertain significance for RPGRIP1L-related condition. Last evaluated: 2026-05-26. Review status: criteria provided, single submitter. Criteria: ACMG Guidelines, 2015. Collection method: clinical testing. Allele origin: germline.
Comment: The RPGRIP1L c.296C>T variant is predicted to result in the amino acid substitution p.Pro99Leu. To our knowledge, this variant has not been reported in the literature or in a large population database (gnomAD), indicating this variant is rare. At this time, the clinical significance of this variant is uncertain due to the absence of conclusive functional and genetic evidence.

Labcorp Genetics (formerly Invitae), Labcorp
Classification: Uncertain significance for Joubert syndrome; Meckel-Gruber syndrome. Last evaluated: 2022-03-29. Review status: criteria provided, single submitter. Criteria: Invitae Variant Classification Sherloc (09022015). Collection method: clinical testing. Allele origin: germline.
Comment: This sequence change replaces proline, which is neutral and non-polar, with leucine, which is neutral and non-polar, at codon 99 of the RPGRIP1L protein (p.Pro99Leu). This variant is not present in population databases (gnomAD no frequency). This variant has not been reported in the literature in individuals affected with RPGRIP1L-related conditions. Algorithms developed to predict the effect of missense changes on protein structure and function are either unavailable or do not agree on the potential impact of this missense change (SIFT: "Deleterious"; PolyPhen-2: "Benign"; Align-GVGD: "Class C0"). In summary, the available evidence is currently insufficient to determine the role of this variant in disease. Therefore, it has been classified as a Variant of Uncertain Significance.